The following is an entry in ClinVar:

NM_002225.5(IVD):c.658C>T (p.Arg220Trp)

Gene: IVD (isovaleryl-CoA dehydrogenase; plus strand). Cytogenetic location: 15q15.1.
Variant type: single nucleotide variant.
Coding change: c.658C>T on transcript NM_002225.5 (MANE Select); coding-DNA position 658, C replaced by T.
Protein change: p.Arg220Trp; replaces arginine 220 with tryptophan.
Molecular consequence: missense variant. On other transcripts: non-coding transcript variant (1).
Genome position (GRCh38, 1-based): chr15:40,411,662, C>T. VCF-style: chr15-40411662-C-T. GRCh37 (hg19) VCF-style: chr15-40703861-C-T.
Other names: c.568C>T, p.Arg190Trp (NM_001159508.3); c.610C>T, p.Arg204Trp (NM_001354597.3); c.658C>T, p.Arg220Trp (NM_001354598.3, NM_001354601.3); c.745C>T, p.Arg249Trp (NM_001354599.3, NM_001354600.3); short protein forms R190W, R204W, R220W, R249W.
Identifiers: ClinVar variation 3338967 (VCV003338967.1).

ClinVar aggregate classification (germline): Uncertain significance (1 of 4 stars; one submission).

gnomAD v4.1: 13 of 1,614,204 alleles (0.00081%); highest among the groups gnomAD compares: Middle Eastern, 0.016%; no homozygotes.

Submission:

Women's Health and Genetics/Laboratory Corporation of America, LabCorp
Classification: Uncertain significance. Last evaluated: 2024-07-10. Review status: criteria provided, single submitter. Criteria: LabCorp Variant Classification Summary - May 2015. Collection method: clinical testing. Allele origin: germline.
Comment: Variant summary: IVD c.658C>T (p.Arg220Trp) results in a non-conservative amino acid change located in the Acyl-CoA oxidase/dehydrogenase, middle domain (IPR006091) of the encoded protein sequence. Three of four in-silico tools predict a damaging effect of the variant on protein function. The variant allele was found at a frequency of 4e-06 in 251466 control chromosomes (gnomAD). The available data on variant occurrences in the general population are insufficient to allow any conclusion about variant significance. c.658C>T has been reported in the literature in a compound heterozygous individual affected with Isovaleryl-CoA Dehydrogenase Deficiency (e.g. Guo_2023). These data do not allow clear conclusions about variant significance. To our knowledge, no experimental evidence demonstrating an impact on protein function has been reported. The following publication have been ascertained in the context of this evaluation (PMID: 37308883). No submitters have cited clinical-significance assessments for this variant to ClinVar. Based on the evidence outlined above, the variant was classified as uncertain significance.

Literature cited by the submitters: PubMed 37308883.